The following is an entry in ClinVar:

NM_018834.6(MATR3):c.628_630del (p.Glu210del)

Gene: MATR3 (matrin 3; plus strand). Cytogenetic location: 5q31.2.
Variant type: Deletion.
Coding change: c.628_630del on transcript NM_018834.6 (MANE Select); coding-DNA positions 628 to 630, 3 bases deleted (GAA; older notation c.628_630delGAA).
Protein change: p.Glu210del; deletes glutamic acid 210.
Molecular consequence: inframe deletion. On other transcripts: intron variant (2).
Genome position (GRCh38, 1-based): chr5:139,308,043-139,308,045, GAA deleted; deleting any 3 consecutive bases within chr5:139,308,041-139,308,045 gives the same sequence; the c. name uses the placement nearest the transcript's 3' end. VCF-style (leftmost placement, unchanged base first): chr5-139308040-CAAG-C. GRCh37 (hg19) VCF-style: chr5-138643729-CAAG-C.
Other names: c.628_630del, p.Glu210del (NM_001194954.2, NM_001194955.2, NM_199189.3); c.-102-6632_-102-6630del (NM_001282278.2); c.49-6632_49-6630del (NM_001194956.2); short protein forms E210del.
Identifiers: ClinVar variation 837241 (VCV000837241.10), dbSNP rs1754795693, ClinGen allele CA916082783.

ClinVar aggregate classification (germline): Uncertain significance (1 of 4 stars; one submission).

Conditions:
Amyotrophic lateral sclerosis type 21. Also called: VOCAL CORD AND PHARYNGEAL DYSFUNCTION WITH DISTAL MYOPATHY; MYOPATHY, DISTAL, 2. Identifiers: Orphanet 600, Orphanet 803, MedGen C3807521, MONDO:0011632, OMIM 606070.

Submission:

Labcorp Genetics (formerly Invitae), Labcorp
Classification: Uncertain significance for Amyotrophic lateral sclerosis type 21. Last evaluated: 2019-12-18. Review status: criteria provided, single submitter. Criteria: Invitae Variant Classification Sherloc (09022015). Collection method: clinical testing. Allele origin: germline.
Comment: In summary, the available evidence is currently insufficient to determine the role of this variant in disease. Therefore, it has been classified as a Variant of Uncertain Significance. Experimental studies and prediction algorithms are not available or were not evaluated, and the functional significance of this variant is currently unknown. This variant has not been reported in the literature in individuals with MATR3-related conditions. This variant is not present in population databases (ExAC no frequency). This variant, c.628_630del, results in the deletion of 1 amino acid(s) of the MATR3 protein (p.Glu210del), but otherwise preserves the integrity of the reading frame.